The following is an entry in ClinVar:

ClinVar aggregate classification (germline): Likely benign. Review status: criteria provided, multiple submitters, no conflicts (2 of 4 stars). 9 submissions from 9 submitters: Likely benign (6). 3 of the submissions do not count toward it. Last evaluated 2025-11-01.

Conditions:
Cardiomyopathy (CMYO). Also called: Cardiomyopathies. Identifiers: Orphanet 167848, MedGen C0878544, MONDO:0004994, HP:0001638. Inheritance: Various modes of inheritance.
Catecholaminergic polymorphic ventricular tachycardia (CVPT). Also called: Catecholamine-induced polymorphic ventricular tachycardia. Identifiers: Orphanet 3286, MedGen C5574922, MONDO:0017990.
Catecholaminergic polymorphic ventricular tachycardia 1. Also called: RYR2-Related Catecholaminergic Polymorphic Ventricular Tachycardia; VENTRICULAR TACHYCARDIA, CATECHOLAMINERGIC POLYMORPHIC, 1, WITH OR WITHOUT ATRIAL DYSFUNCTION AND/OR DILATED CARDIOMYOPATHY; VENTRICULAR TACHYCARDIA, STRESS-INDUCED POLYMORPHIC 1. Identifiers: Orphanet 3286, MedGen C1631597, MONDO:0011484, OMIM 604772.

Allele frequency attached by ClinVar (database versions not stated): ExAC 0.00003; gnomAD 0.00003; gnomAD exomes 0.00003 and 0.00007; TOPMed 0.00003; ESP Exome Variant Server 0.00008.
gnomAD v4.1: 108 of 1,610,404 alleles (0.0067%); highest among the groups gnomAD compares: Non-Finnish European, 0.0082%; no homozygotes.

Submissions (9):

Labcorp Genetics (formerly Invitae), Labcorp
Classification: Likely benign for Catecholaminergic polymorphic ventricular tachycardia 1. Last evaluated: 2025-11-01. Review status: criteria provided, single submitter. Criteria: Invitae Variant Classification Sherloc (09022015). Collection method: clinical testing. Allele origin: germline.

All of Us Research Program, National Institutes of Health
Classification: Likely benign for Catecholaminergic polymorphic ventricular tachycardia. Last evaluated: 2023-11-30. Review status: criteria provided, single submitter. Criteria: ACMG Guidelines, 2015. Collection method: clinical testing. Allele origin: germline. Inheritance: Autosomal dominant inheritance. Observed: 10 variant alleles, 10 heterozygotes.
Comment: This study involves interpretation of variants in research participants for the purpose of population health screening. Participant phenotype was not available at the time of variant classification. Additional details can be found in publication PMID: 35346344, PMCID: PMC8962531

Women's Health and Genetics/Laboratory Corporation of America, LabCorp
Classification: Likely benign. Last evaluated: 2023-08-19. Review status: criteria provided, single submitter. Criteria: LabCorp Variant Classification Summary - May 2015. Collection method: clinical testing. Allele origin: germline.

Blueprint Genetics
Classification: Likely benign. Last evaluated: 2022-11-28. Review status: criteria provided, single submitter. Criteria: ACMG Guidelines, 2015. Collection method: clinical testing. Allele origin: germline.

GeneDx
Classification: Likely benign. Last evaluated: 2019-08-14. Review status: criteria provided, single submitter. Criteria: GeneDx Variant Classification Process June 2021. Collection method: clinical testing. Allele origin: germline. Affected: yes.

Color Diagnostics, LLC DBA Color Health
Classification: Likely benign for Cardiomyopathy. Last evaluated: 2018-11-16. Review status: criteria provided, single submitter. Criteria: ACMG Guidelines, 2015. Collection method: clinical testing. Allele origin: germline.

Clinical Genetics, Academic Medical Center
Classification: Benign. Review status: no assertion criteria provided. Collection method: clinical testing. Allele origin: germline. Affected: yes. Study: VKGL Data-share Consensus. Not counted in ClinVar's aggregate classification.

Genome Diagnostics Laboratory, University Medical Center Utrecht
Classification: Likely benign. Review status: no assertion criteria provided. Collection method: clinical testing. Allele origin: germline. Affected: yes. Study: VKGL Data-share Consensus. Not counted in ClinVar's aggregate classification.

Joint Genome Diagnostic Labs from Nijmegen and Maastricht, Radboudumc and MUMC+
Classification: Likely benign. Review status: no assertion criteria provided. Collection method: clinical testing. Allele origin: germline. Affected: yes. Study: VKGL Data-share Consensus. Not counted in ClinVar's aggregate classification.

NM_001035.3(RYR2):c.14152-15G>A

Gene: RYR2 (ryanodine receptor 2; plus strand). Cytogenetic location: 1q43.
Variant type: single nucleotide variant.
Coding change: c.14152-15G>A on transcript NM_001035.3 (MANE Select); 15 bases into the intron before coding-DNA position 14152, G replaced by A.
Molecular consequence: intron variant.
Genome position (GRCh38, 1-based): chr1:237,806,122, G>A. VCF-style: chr1-237806122-G-A. GRCh37 (hg19) VCF-style: chr1-237969422-G-A.
Other names: c.14152-15G>A (LRG_402t1).
Identifiers: ClinVar variation 379193 (VCV000379193.19), dbSNP rs371785571, ClinGen allele CA085594.